The following is an entry in ClinVar:

ClinVar aggregate classification (germline): Uncertain significance (1 of 4 stars; one submission).

gnomAD v4.1: 2 of 1,210,403 alleles (0.00017%); no homozygotes.

Submission:

GeneDx
Classification: Uncertain significance. Last evaluated: 2026-03-22. Review status: criteria provided, single submitter. Criteria: GeneDx Variant Classification Process June 2021. Collection method: clinical testing. Allele origin: germline.
Comment: In silico analysis supports that this missense variant has a deleterious effect on protein structure/function; Has not been previously published as pathogenic or benign to our knowledge

NM_153252.5(BRWD3):c.2281T>C (p.Tyr761His)

Gene: BRWD3 (bromodomain and WD repeat domain containing 3; minus strand). Cytogenetic location: Xq21.1.
Variant type: single nucleotide variant.
Coding change: c.2281T>C on transcript NM_153252.5 (MANE Select); coding-DNA position 2281, T replaced by C.
Protein change: p.Tyr761His; replaces tyrosine 761 with histidine.
Molecular consequence: missense variant.
Genome position (GRCh38, 1-based): chrX:80,716,201, A>G on the plus strand (T>C on the coding strand, the complement: BRWD3 is on the minus strand). VCF-style: chrX-80716201-A-G. GRCh37 (hg19) VCF-style: chrX-79971700-A-G.
Other names: c.2281T>C, p.Tyr761His (NM_001441339.1); short protein forms Y761H.
Identifiers: ClinVar variation 4687015 (VCV004687015.2).